The following is an entry in ClinVar:

ClinVar aggregate classification (germline): Uncertain significance. Review status: criteria provided, multiple submitters, no conflicts (2 of 4 stars). 2 submissions from 2 submitters: Uncertain significance (2). Last evaluated 2021-06-20.

Conditions:
Pancreatic adenocarcinoma. Identifiers: MedGen C0281361, MONDO:0006047, HP:0006725.

Allele frequency attached by ClinVar (database versions not stated): gnomAD exomes below 0.00001; TOPMed below 0.00001.
gnomAD v4.1: 5 of 1,613,820 alleles (0.00031%); highest among the groups gnomAD compares: Non-Finnish European, 0.00042%; no homozygotes.

Submissions (2):

Ambry Genetics
Classification: Uncertain significance. Last evaluated: 2021-06-20. Review status: criteria provided, single submitter. Criteria: Ambry Variant Classification Scheme 2023. Collection method: clinical testing. Allele origin: germline.
Comment: The p.V1036A variant (also known as c.3107T>C), located in coding exon 17 of the PALLD gene, results from a T to C substitution at nucleotide position 3107. The valine at codon 1036 is replaced by alanine, an amino acid with similar properties. This amino acid position is conserved. In addition, this alteration is predicted to be tolerated by in silico analysis. Since supporting evidence is limited at this time, the clinical significance of this alteration remains unclear.

Labcorp Genetics (formerly Invitae), Labcorp
Classification: Uncertain significance for Pancreatic adenocarcinoma. Last evaluated: 2020-11-13. Review status: criteria provided, single submitter. Criteria: Invitae Variant Classification Sherloc (09022015). Collection method: clinical testing. Allele origin: germline.
Comment: This sequence change replaces valine with alanine at codon 549 of the PALLD protein (p.Val549Ala). The valine residue is highly conserved and there is a small physicochemical difference between valine and alanine. This variant is not present in population databases (ExAC no frequency). This variant has not been reported in the literature in individuals with PALLD-related conditions. Algorithms developed to predict the effect of missense changes on protein structure and function output the following: SIFT: "Deleterious"; PolyPhen-2: "Probably Damaging"; Align-GVGD: "Class C55". The alanine amino acid residue is found in multiple mammalian species, suggesting that this missense change does not adversely affect protein function. These predictions have not been confirmed by published functional studies and their clinical significance is uncertain. In summary, the available evidence is currently insufficient to determine the role of this variant in disease. Therefore, it has been classified as a Variant of Uncertain Significance.

NM_001166108.2(PALLD):c.3158T>C (p.Val1053Ala)

Genes: CBR4 (carbonyl reductase 4; minus strand), PALLD (palladin, cytoskeletal associated protein; plus strand). Cytogenetic location: 4q32.3.
Variant type: single nucleotide variant.
Coding change: c.3158T>C on transcript NM_001166108.2 (MANE Select); coding-DNA position 3158, T replaced by C.
Protein change: p.Val1053Ala; replaces valine 1053 with alanine.
Molecular consequence: missense variant.
Genome position (GRCh38, 1-based): chr4:168,924,354, T>C. VCF-style: chr4-168924354-T-C. GRCh37 (hg19) VCF-style: chr4-169845505-T-C.
Other names: c.1961T>C, p.Val654Ala (NM_001166109.2); c.1646T>C, p.Val549Ala (NM_001166110.2); c.986T>C, p.Val329Ala (NM_001367567.1, NM_001367569.1); c.1037T>C, p.Val346Ala (NM_001367568.1, NM_001367570.1); c.3107T>C, p.Val1036Ala (NM_016081.4); short protein forms V346A, V654A, V1053A, V329A, V1036A, V549A.
Identifiers: ClinVar variation 1484141 (VCV001484141.10), dbSNP rs1582242284, ClinGen allele CA358712415.